The following is an entry in ClinVar:

ClinVar aggregate classification (germline): Uncertain significance (1 of 4 stars; one submission).

Conditions:
Combined immunodeficiency with skin granulomas. Identifiers: Orphanet 157949, MedGen C2673536, MONDO:0009306, OMIM 233650.
Severe combined immunodeficiency, autosomal recessive, T cell-negative, B cell-negative, NK cell-positive. Also called: SCID, T CELL-NEGATIVE, B CELL-NEGATIVE, NK CELL-POSITIVE; Severe combined immunodeficiency due to complete RAG1/2 deficiency; SCID, AR, T-cell negative, B-cell negative, NK cell-positive. Identifiers: Orphanet 331206, MedGen C1832322, MONDO:0011086, OMIM 601457.

Submission:

Labcorp Genetics (formerly Invitae), Labcorp
Classification: Uncertain significance for Combined immunodeficiency with skin granulomas; Severe combined immunodeficiency, autosomal recessive, T cell-negative, B cell-negative, NK cell-positive. Last evaluated: 2024-10-16. Review status: criteria provided, single submitter. Criteria: Invitae Variant Classification Sherloc (09022015). Collection method: clinical testing. Allele origin: germline.
Comment: This sequence change replaces glycine, which is neutral and non-polar, with asparagine, which is neutral and polar, at codon 414 of the RAG2 protein (p.Gly414Asn). Information on the frequency of this variant in the gnomAD database is not available, as this variant may be reported differently in the database. This variant has not been reported in the literature in individuals affected with RAG2-related conditions. ClinVar contains an entry for this variant (Variation ID: 1507932). An algorithm developed to predict the effect of missense changes on protein structure and function (PolyPhen-2) suggests that this variant is likely to be disruptive. In summary, the available evidence is currently insufficient to determine the role of this variant in disease. Therefore, it has been classified as a Variant of Uncertain Significance.

NM_000536.4(RAG2):c.1240_1241delinsAA (p.Gly414Asn)

Gene: RAG2 (recombination activating 2; minus strand). Cytogenetic location: 11p12.
Variant type: Indel.
Coding change: c.1240_1241delinsAA on transcript NM_000536.4 (MANE Select); coding-DNA positions 1240 to 1241, GG replaced by AA.
Protein change: p.Gly414Asn; replaces glycine 414 with asparagine.
Molecular consequence: missense variant.
Genome position (GRCh38, 1-based): chr11:36,592,928-36,592,929, CC replaced by TT on the plus strand (GG replaced by AA on the coding strand, the reverse complement: RAG2 is on the minus strand). VCF-style: chr11-36592928-CC-TT. GRCh37 (hg19) VCF-style: chr11-36614478-CC-TT.
Other names: c.1240_1241delinsAA, p.Gly414Asn (NM_001243785.2, NM_001243786.2); short protein forms G414N.
Identifiers: ClinVar variation 1507932 (VCV001507932.8), dbSNP rs2133311785, ClinGen allele CA2573146307.